The following is an entry in ClinVar:

ClinVar aggregate classification (germline): Benign. Review status: criteria provided, multiple submitters, no conflicts (2 of 4 stars). 4 submissions from 4 submitters: Benign (4). Last evaluated 2026-02-04.

Conditions:
Primary dilated cardiomyopathy (DCM). Also called: Dilated Cardiomyopathy. Identifiers: Orphanet 217604, MedGen C0007193, MeSH D002311, MONDO:0005021, HP:0001644. Inheritance: Various modes of inheritance.

Allele frequency attached by ClinVar (database versions not stated): 1000 Genomes Project 0.11142; 1000 Genomes Project 30x 0.11259; TOPMed 0.14888; ExAC 0.15667; gnomAD 0.15823 and 0.16120; gnomAD exomes 0.15846 and 0.18253; ESP Exome Variant Server 0.16439.
gnomAD v4.1: 290,402 of 1,613,040 alleles (18%); highest among the groups gnomAD compares: Middle Eastern, 20%; 27,859 homozygotes.

Submissions (4):

Labcorp Genetics (formerly Invitae), Labcorp
Classification: Benign for Primary dilated cardiomyopathy. Last evaluated: 2026-02-04. Review status: criteria provided, single submitter. Criteria: Invitae Variant Classification Sherloc (09022015). Collection method: clinical testing. Allele origin: germline.

GeneDx
Classification: Benign. Last evaluated: 2018-09-06. Review status: criteria provided, single submitter. Criteria: GeneDx Variant Classification Process June 2021. Collection method: clinical testing. Allele origin: germline. Affected: yes.

Laboratory for Molecular Medicine, Mass General Brigham Personalized Medicine
Classification: Benign. Last evaluated: 2011-09-16. Review status: criteria provided, single submitter. Criteria: LMM Criteria. Collection method: clinical testing. Allele origin: germline. Observed: 512 variant alleles.
Comment: This variant is classified as benign because it does not change the amino acid a nd is frequent in the general population (rs11124029, MAF >1%).

Breakthrough Genomics
Classification: Benign. Review status: criteria provided, single submitter. Criteria: ACMG Guidelines, 2015. Collection method: not provided. Allele origin: germline. Inheritance: Unknown mechanism. Affected: yes.

NM_001318895.3(FHL2):c.819C>T (p.Pro273=)

Genes: FHL2 (four and a half LIM domains 2; minus strand), C2orf49 (chromosome 2 open reading frame 49; plus strand). Cytogenetic location: 2q12.2.
Variant type: single nucleotide variant.
Coding change: c.819C>T on transcript NM_001318895.3 (MANE Select); coding-DNA position 819, C replaced by T.
Protein change: p.Pro273=; no amino-acid change (proline 273 retained).
Molecular consequence: synonymous variant.
Genome position (GRCh38, 1-based): chr2:105,361,304, G>A on the plus strand (C>T on the coding strand, the complement: FHL2 is on the minus strand). VCF-style: chr2-105361304-G-A. GRCh37 (hg19) VCF-style: chr2-105977761-G-A.
Other names: c.819C>T, p.Pro273= (NM_001039492.3, NM_001318894.1, NM_001318896.2 and 4 more transcripts); c.477C>T, p.Pro159= (NM_001318897.2, NM_001318898.2); c.495C>T, p.Pro165= (NM_001318899.2).
Identifiers: ClinVar variation 48332 (VCV000048332.14), dbSNP rs11124029, ClinGen allele CA143196.